The following is an entry in ClinVar:

NM_004006.3(DMD):c.9361+1G>C

Gene: DMD (dystrophin; minus strand). Cytogenetic location: Xp21.2.
Variant type: single nucleotide variant.
Coding change: c.9361+1G>C on transcript NM_004006.3 (MANE Select); the canonical splice donor site of the intron after coding-DNA position 9361, G replaced by C.
Molecular consequence: splice donor variant.
Genome position (GRCh38, 1-based): chrX:31,223,046, C>G on the plus strand (G>C on the coding strand, the complement: DMD is on the minus strand). VCF-style: chrX-31223046-C-G. GRCh37 (hg19) VCF-style: chrX-31241163-C-G.
Other names: c.9337+1G>C (NM_000109.4); c.5338+1G>C (NM_004011.4); c.5329+1G>C (NM_004012.4); c.1981+1G>C (NM_004023.3, NM_004020.4, NM_004022.3 and 2 more transcripts); c.1174+1G>C (NM_004014.3); c.157+1G>C (NM_004018.3, NM_004017.3, NM_004016.3 and 2 more transcripts); c.9349+1G>C (NM_004009.3); c.8992+1G>C (NM_004010.3).
Identifiers: ClinVar variation 94842 (VCV000094842.16), dbSNP rs398124094, ClinGen allele CA267189.
Genomic context (GRCh38, chrX:31,223,046, plus strand): 5'-CTACTTTTTATTCTAAGCAAAGACATAGTATCAAGATCTTCAAATACTGGCCAATACTTA[C>G]AGCAAAGGGCCTTCTGCAGTCTTCGGAGTTTCATGGCAGTCCTATAAGCTGAGAATCTGA-3'

ClinVar aggregate classification (germline): Pathogenic/Likely pathogenic. Review status: criteria provided, multiple submitters, no conflicts (2 of 4 stars). 4 submissions from 4 submitters: Pathogenic (3); Likely pathogenic (1). Last evaluated 2024-10-07.

Conditions:
Becker muscular dystrophy, Cardiomyopathy, Duchenne muscular dystrophy, Dystrophin deficiency.
Duchenne muscular dystrophy (DMD). Also called: Duchenne Muscular Dystrophy (DMD); MUSCULAR DYSTROPHY, PSEUDOHYPERTROPHIC PROGRESSIVE, DUCHENNE TYPE. Identifiers: Orphanet 98896, MedGen C0013264, MONDO:0010679, OMIM 310200.

Submissions (4):

Natera, Inc.
Classification: Likely pathogenic for Becker muscular dystrophy, Cardiomyopathy, Duchenne muscular dystrophy, Dystrophin deficiency. Last evaluated: 2024-10-07. Review status: criteria provided, single submitter. Criteria: Natera Variant Classification Schema (03/2026). Collection method: clinical testing. Allele origin: germline.
Comment: The c.9361+1G>C variant in DMD is a canonical splice donor site variant predicted to affect pre-mRNA splicing, which may result in an abnormal transcript and altered protein product. This variant may result in a truncated or dysfunctional protein product. This variant is rare in the general population with a frequency below the threshold expected for the associated phenotype(s). This variant has been observed in affected individual(s) with monoallelic occurrence (heterozygous/hemizygous) (PMID: 32559196). Given the available evidence, this variant is classified as Likely Pathogenic.

Labcorp Genetics (formerly Invitae), Labcorp
Classification: Pathogenic for Duchenne muscular dystrophy. Last evaluated: 2024-03-28. Review status: criteria provided, single submitter. Criteria: Invitae Variant Classification Sherloc (09022015). Collection method: clinical testing. Allele origin: germline.
Comment: This sequence change affects a donor splice site in intron 64 of the DMD gene. It is expected to disrupt RNA splicing. Variants that disrupt the donor or acceptor splice site typically lead to a loss of protein function (PMID: 16199547), and loss-of-function variants in DMD are known to be pathogenic (PMID: 16770791, 25007885). This variant is not present in population databases (gnomAD no frequency). Disruption of this splice site has been observed in individuals with Duchenne or Becker muscular dystrophy (PMID: 19937601, 21515508, 32559196). ClinVar contains an entry for this variant (Variation ID: 94842). Algorithms developed to predict the effect of sequence changes on RNA splicing suggest that this variant may disrupt the consensus splice site. For these reasons, this variant has been classified as Pathogenic.

Revvity Omics, Revvity
Classification: Pathogenic. Last evaluated: 2022-10-19. Review status: criteria provided, single submitter. Criteria: ACMG Guidelines, 2015. Collection method: clinical testing. Allele origin: germline.

Eurofins Ntd Llc (ga)
Classification: Pathogenic. Last evaluated: 2013-10-21. Review status: criteria provided, single submitter. Criteria: EGL Classification Definitions 2015. Collection method: clinical testing. Allele origin: germline. Observed: 2 variant alleles, 2 hemizygotes.

Literature cited by the submitters: PubMed 32559196 (cited by Natera, Inc. and Labcorp Genetics (formerly Invitae), Labcorp); PubMed 16199547 (cited by Labcorp Genetics (formerly Invitae), Labcorp); PubMed 16770791 (cited by Labcorp Genetics (formerly Invitae), Labcorp); PubMed 25007885 (cited by Labcorp Genetics (formerly Invitae), Labcorp); PubMed 19937601 (cited by Labcorp Genetics (formerly Invitae), Labcorp); PubMed 21515508 (cited by Labcorp Genetics (formerly Invitae), Labcorp).